The following is an entry in ClinVar:

ClinVar aggregate classification (germline): Conflicting classifications of pathogenicity. Review status: criteria provided, conflicting classifications (1 of 4 stars). 3 submissions from 3 submitters: Uncertain significance (2); Likely benign (1). Last evaluated 2024-09-04.

Conditions:
Hereditary cancer-predisposing syndrome. Also called: Hereditary neoplastic syndrome; Tumor predisposition; Neoplastic Syndromes, Hereditary; Hereditary Cancer Syndrome. Identifiers: Orphanet 140162, MedGen C0027672, MeSH D009386, MONDO:0015356.

gnomAD v4.1: 1 of 1,613,692 alleles (0.000062%); highest among the groups gnomAD compares: Non-Finnish European, 0.000085%; no homozygotes.

Submissions (3):

Ambry Genetics
Classification: Uncertain significance for Hereditary cancer-predisposing syndrome. Last evaluated: 2024-09-04. Review status: criteria provided, single submitter. Criteria: Ambry Variant Classification Scheme 2023. Collection method: clinical testing. Allele origin: germline.
Comment: The p.N822K variant (also known as c.2466T>G), located in coding exon 9 of the BRCA1 gene, results from a T to G substitution at nucleotide position 2466. The asparagine at codon 822 is replaced by lysine, an amino acid with similar properties. This amino acid position is not well conserved in available vertebrate species. In addition, this alteration is predicted to be tolerated by in silico analysis. Based on the available evidence, the clinical significance of this variant remains unclear.

University of Washington Department of Laboratory Medicine, University of Washington
Classification: Likely benign for Hereditary cancer-predisposing syndrome. Last evaluated: 2023-03-23. Review status: criteria provided, single submitter. Criteria: Dines et al. (Genet Med. 2020). Collection method: curation. Allele origin: germline.
Comment: Missense variant in a coldspot region where missense variants are very unlikely to be pathogenic (PMID:31911673).

BRCA1 coldspot (exon 11 using historical exon numbering). Reclassification based on statistical prior probability

GeneDx
Classification: Uncertain significance. Last evaluated: 2016-10-17. Review status: criteria provided, single submitter. Criteria: GeneDx Variant Classification (06012015). Collection method: clinical testing. Allele origin: germline. Affected: yes.
Comment: This variant is denoted BRCA1 c.2466T>G at the cDNA level, p.Asn822Lys (N822K) at the protein level, and results in the change of an Asparagine to a Lysine (AAT>AAG). Using alternate nomenclature, this variant would be defined as BRCA1 2585T>G. This variant has not, to our knowledge, been published in the literature as pathogenic or benign. BRCA1 Asn822Lys was not observed in approximately 6,500 individuals of European and African American ancestry in the NHLBI Exome Sequencing Project, suggesting it is not a common benign variant in these populations. Since Asparagine and Lysine differ in some properties, this is considered a semi-conservative amino acid substitution. BRCA1 Asn822Lys occurs at a position that is not conserved and is located in the DNA binding domain and binding domain with RAD51 (Chen 1998, Narod 2004). In silico analyses are inconsistent regarding the effect this variant may have on protein structure and function. Based on currently available evidence, it is unclear whether BRCA1 Asn822Lys is a pathogenic or benign variant. We consider it to be a variant of uncertain significance.

NM_007294.4(BRCA1):c.2466T>G (p.Asn822Lys)

Gene: BRCA1 (BRCA1 DNA repair associated; minus strand). Cytogenetic location: 17q21.31.
Variant type: single nucleotide variant.
Coding change: c.2466T>G on transcript NM_007294.4 (MANE Select); coding-DNA position 2466, T replaced by G.
Protein change: p.Asn822Lys; replaces asparagine 822 with lysine.
Molecular consequence: missense variant. On other transcripts: intron variant (137).
Genome position (GRCh38, 1-based): chr17:43,093,065, A>C on the plus strand (T>G on the coding strand, the complement: BRCA1 is on the minus strand). VCF-style: chr17-43093065-A-C. GRCh37 (hg19) VCF-style: chr17-41245082-A-C.
Other names: c.2253T>G, p.Asn751Lys (NM_001407571.1, NM_001407853.1, NM_001407894.1 and 9 more transcripts); c.2466T>G, p.Asn822Lys (NM_001407581.1, NM_001407582.1, NM_001407583.1 and 30 more transcripts); c.2463T>G, p.Asn821Lys (NM_001407587.1, NM_001407590.1, NM_001407591.1 and 22 more transcripts); c.2457T>G, p.Asn819Lys (NM_001407646.1, NM_001407647.1); c.2343T>G, p.Asn781Lys (NM_001407648.1, NM_001407664.1, NM_001407665.1 and 19 more transcripts); c.2340T>G, p.Asn780Lys (NM_001407649.1, NM_001407670.1, NM_001407671.1 and 11 more transcripts); c.2388T>G, p.Asn796Lys (NM_001407653.1, NM_001407654.1, NM_001407655.1 and 4 more transcripts); c.2385T>G, p.Asn795Lys (NM_001407659.1, NM_001407660.1, NM_001407661.1 and 1 more transcripts); and 41 more; short protein forms N822K, N775K, N654K, N694K, N754K, N711K, N734K, N751K.
Identifiers: ClinVar variation 420787 (VCV000420787.6), dbSNP rs1064794701, ClinGen allele CA10597071.